The following is an entry in ClinVar:

NM_025216.3(WNT10A):c.889G>A (p.Ala297Thr)

Gene: WNT10A (Wnt family member 10A; plus strand). Cytogenetic location: 2q35.
Variant type: single nucleotide variant.
Coding change: c.889G>A on transcript NM_025216.3 (MANE Select); coding-DNA position 889, G replaced by A.
Protein change: p.Ala297Thr; replaces alanine 297 with threonine.
Molecular consequence: missense variant.
Genome position (GRCh38, 1-based): chr2:218,892,906, G>A. VCF-style: chr2-218892906-G-A. GRCh37 (hg19) VCF-style: chr2-219757628-G-A.
Other names: c.889G>A (NM_025216.2); short protein forms A297T.
Identifiers: ClinVar variation 2577028 (VCV002577028.5), dbSNP rs530717943, ClinGen allele CA65919046.
Genomic context (GRCh38, chr2:218,892,906, plus strand): 5'-TGGCAGGTGACGCCCGAGTTCCGCACCGTGGGGGCGCTGCTGCGCAGCCGCTTCCACCGC[G>A]CCACGCTCATCCGGCCGCACAACCGCAACGGCGGCCAGCTGGAGCCGGGCCCAGCGGGGG-3'
Protein context (NP_079492.2, residues 287-307): GALLRSRFHR[Ala297Thr]TLIRPHNRNG

ClinVar aggregate classification (germline): Likely pathogenic. Review status: criteria provided, multiple submitters, no conflicts (2 of 4 stars). 4 submissions from 4 submitters: Likely pathogenic (3). 1 of the submissions does not count toward it. Last evaluated 2025-10-27.

Conditions:
Tooth agenesis, selective, 4 (STHAG4). Also called: SUCCEDANEOUS TEETH, AGENESIS OF; TOOTH AGENESIS, SELECTIVE, 4, WITH OR WITHOUT ECTODERMAL DYSPLASIA; LATERAL INCISORS, ABSENCE OF; LATERAL INCISORS, PEGGED OR MISSING. Identifiers: Orphanet 99798, MedGen C1835492, MONDO:0007881, OMIM 150400. Disease mechanism: loss of function.
Schöpf-Schulz-Passarge syndrome. Also called: ECCRINE TUMORS WITH ECTODERMAL DYSPLASIA; KERATOSIS PALMOPLANTARIS WITH CYSTIC EYELIDS, HYPODONTIA, AND HYPOTRICHOSIS; SchC6pf-Schulz-Passarge syndrome. Identifiers: Orphanet 50944, MedGen C1857069, MONDO:0009145, OMIM 224750.
Odonto-onycho-dermal dysplasia. Identifiers: Orphanet 2721, MedGen C0796093, MONDO:0009773, OMIM 257980.

Allele frequency attached by ClinVar (database versions not stated): gnomAD 0.00001; 1000 Genomes Project 30x 0.00016; 1000 Genomes Project 0.00020.
gnomAD v4.1: 5 of 1,535,850 alleles (0.00033%); highest among the groups gnomAD compares: East Asian, 0.013%; no homozygotes.

Submissions (4):

Natera, Inc.
Classification: Likely pathogenic for Schopf-Schulz-Passarge syndrome. Last evaluated: 2025-10-27. Review status: criteria provided, single submitter. Criteria: Natera Variant Classification Schema (03/2026). Collection method: clinical testing. Allele origin: germline.
Comment: The c.889G>A variant in WNT10A is a missense variant predicted to cause substitution of alanine to threonine at amino acid 297. This variant is rare in the general population with a frequency below the threshold expected for the associated phenotype(s). This variant has been observed in affected individual(s) with monoallelic occurrence (heterozygous/hemizygous) (PMID: 36071541, 29367877, 24043634). This variant has been confirmed as or assumed to be a de novo occurrence in one or more affected individuals (PMID: 29367877). Computational prediction algorithms indicate this variant is likely to affect gene or protein function. Given the available evidence, this variant is classified as Likely Pathogenic.

Women's Health and Genetics/Laboratory Corporation of America, LabCorp
Classification: Likely pathogenic for Odonto-onycho-dermal dysplasia. Last evaluated: 2025-05-19. Review status: criteria provided, single submitter. Criteria: LabCorp Variant Classification Summary - May 2015. Collection method: clinical testing. Allele origin: germline.
Comment: Variant summary: WNT10A c.889G>A (p.Ala297Thr) results in a non-conservative amino acid change in the encoded protein sequence. Algorithms developed to predict the effect of missense changes on protein structure and function all suggest that this variant is likely to be disruptive. The variant was absent in 127460 control chromosomes. c.889G>A has been observed in individuals affected with Odonto-onycho-dermal dysplasia and one of the individuals has this variant as de novo (Song_2014, Machida_2017, Yu_2022). These data indicate that the variant is likely to be associated with disease. To our knowledge, no experimental evidence demonstrating an impact on protein function has been reported. The following publications have been ascertained in the context of this evaluation (PMID: 29367877, 24043634, 36071541). ClinVar contains an entry for this variant (Variation ID: 2577028). Based on the evidence outlined above, the variant was classified as likely pathogenic.

Juno Genomics, Hangzhou Juno Genomics, Inc
Classification: Likely pathogenic for Odonto-onycho-dermal dysplasia; Schöpf-Schulz-Passarge syndrome; Tooth agenesis, selective, 4. Review status: criteria provided, single submitter. Criteria: ACMG Guidelines, 2015. Collection method: clinical testing. Allele origin: germline.
Comment: Absent from controls (or at extremely low frequency if recessive) in Genome Aggregation Database.;Multiple lines of computational evidence support a deleterious effect on the gene or gene product.;The prevalence of the variant in affected individuals is significantly increased compared to the prevalence in controls.;Assumed de novo, but without confirmation of paternity and maternity.

Department of Second Dental Center, Ninth People’s Hospital, Shanghai Jiao Tong University School of Medicine
Classification: Likely pathogenic for Tooth agenesis, selective, 4. Review status: no assertion criteria provided. Collection method: clinical testing. Allele origin: germline. Affected: yes. Not counted in ClinVar's aggregate classification.

Literature cited by the submitters: PubMed 36071541 (cited by 3 submitters); PubMed 29367877 (cited by Natera, Inc. and Women's Health and Genetics/Laboratory Corporation of America, LabCorp); PubMed 24043634 (cited by Natera, Inc. and Women's Health and Genetics/Laboratory Corporation of America, LabCorp).